The following is an entry in ClinVar:

NM_007294.4(BRCA1):c.2167A>G (p.Asn723Asp)

Gene: BRCA1 (BRCA1 DNA repair associated; minus strand). Cytogenetic location: 17q21.31.
Variant type: single nucleotide variant.
Coding change: c.2167A>G on transcript NM_007294.4 (MANE Select); coding-DNA position 2167, A replaced by G.
Protein change: p.Asn723Asp; replaces asparagine 723 with aspartic acid.
Molecular consequence: missense variant. On other transcripts: intron variant (137).
Genome position (GRCh38, 1-based): chr17:43,093,364, T>C on the plus strand (A>G on the coding strand, the complement: BRCA1 is on the minus strand). VCF-style: chr17-43093364-T-C. GRCh37 (hg19) VCF-style: chr17-41245381-T-C.
Other names: p.N723D:AAT>GAT; NP_009225.1:p.Asn723Asp; 2286A>G; c.1954A>G, p.Asn652Asp (NM_001407571.1, NM_001407899.1, NM_001407853.1 and 9 more transcripts); c.2167A>G, p.Asn723Asp (NM_001407581.1, NM_001407582.1, NM_001407583.1 and 30 more transcripts); c.2164A>G, p.Asn722Asp (NM_001407610.1, NM_001407611.1, NM_001407612.1 and 22 more transcripts); c.2044A>G, p.Asn682Asp (NM_001407648.1, NM_001407669.1, NM_001407674.1 and 19 more transcripts); c.2041A>G, p.Asn681Asp (NM_001407649.1, NM_001407670.1, NM_001407671.1 and 11 more transcripts); and 44 more; short protein forms N723D, N676D, N596D, N611D, N696D, N722D, N612D, N656D.
Identifiers: ClinVar variation 37454 (VCV000037454.96), dbSNP rs4986845, ClinGen allele CA001447.

ClinVar aggregate classification (germline): Benign. Review status: reviewed by expert panel (3 of 4 stars). 35 submissions from 35 submitters: Benign (1). 34 of the submissions do not count toward it. Last evaluated 2015-08-10.

Conditions:
BRCA1-related cancer predisposition. Identifiers: MedGen CN377757, MONDO:0700268.
Inherited breast cancer and ovarian cancer.
Breast and/or ovarian cancer. Identifiers: MedGen CN221562.
Hereditary cancer-predisposing syndrome. Also called: Neoplastic Syndromes, Hereditary; Hereditary neoplastic syndrome; Hereditary Cancer Syndrome; Tumor predisposition. Identifiers: Orphanet 140162, MedGen C0027672, MeSH D009386, MONDO:0015356.
Hereditary breast ovarian cancer syndrome. Also called: Hereditary breast and ovarian cancer syndrome (HBOC); Breast and ovarian cancer; BRCA1- and BRCA2-Associated Hereditary Breast and Ovarian Cancer; Hereditary breast and ovarian cancer syndrome; Hereditary breast and ovarian cancer; Hereditary breast and/or ovarian cancer syndrome. Identifiers: Orphanet 145, MedGen C0677776, MeSH D061325, MONDO:0003582. Disease mechanism: loss of function.
Breast-ovarian cancer, familial, susceptibility to, 1 (BROVCA1). Also called: BRCA1 Hereditary Breast and Ovarian Cancer; OVARIAN CANCER, SUSCEPTIBILITY TO. Identifiers: Orphanet 145, MedGen C2676676, MONDO:0011450, OMIM 604370. Disease mechanism: loss of function.
Prostate cancer. Also called: Malignant tumor of prostate. Identifiers: Orphanet 1331, MedGen C0376358, MONDO:0008315, HP:0012125.
Malignant tumor of breast. Also called: Malignant breast neoplasm; Cancer breast. Identifiers: MedGen C0006142, MONDO:0007254. Disease mechanism: loss of function.

Allele frequency attached by ClinVar (database versions not stated): gnomAD exomes 0.00016 and 0.00045; ExAC 0.00057; 1000 Genomes Project 30x 0.00156; TOPMed 0.00207; ESP Exome Variant Server 0.00246; gnomAD 0.00196 and 0.00209; 1000 Genomes Project 0.00200.
gnomAD v4.1: 549 of 1,613,992 alleles (0.034%); highest among the groups gnomAD compares: African/African-American, 0.6%; 4 homozygotes.

Submissions 1 to 18 of 35:

Evidence-based Network for the Interpretation of Germline Mutant Alleles (ENIGMA)
Classification: Benign for Breast-ovarian cancer, familial 1. Last evaluated: 2015-08-10. Review status: reviewed by expert panel. Criteria: ENIGMA BRCA1/2 Classification Criteria (2015). Collection method: curation. Allele origin: germline.
Comment: IARC class based on posterior probability from multifactorial likelihood analysis, thresholds for class as per Plon et al. 2008 (PMID: 18951446). Class 1 based on posterior probability = 0.000000000317

Cambridge Genomics Laboratory, East Genomic Laboratory Hub, NHS Genomic Medicine Service
Classification: Benign for Inherited breast cancer and ovarian cancer. Last evaluated: 2026-09-04. Review status: criteria provided, single submitter. Criteria: ACGS Best Practice Guidelines for Variant Classification in Rare Disease 2020. Collection method: clinical testing. Allele origin: germline. Affected: yes. Not counted in ClinVar's aggregate classification.

CeGaT Center for Human Genetics Tuebingen
Classification: Benign. Last evaluated: 2026-09-01. Review status: criteria provided, single submitter. Criteria: CeGaT Center For Human Genetics Tuebingen Variant Classification Criteria Version 2. Collection method: clinical testing. Allele origin: germline. Affected: yes. Observed: 1 variant allele. Not counted in ClinVar's aggregate classification.
Comment: BRCA1: BP4, BS1, BS2

Labcorp Genetics (formerly Invitae), Labcorp
Classification: Benign for Hereditary breast ovarian cancer syndrome. Last evaluated: 2026-02-03. Review status: criteria provided, single submitter. Criteria: Invitae Variant Classification Sherloc (09022015). Collection method: clinical testing. Allele origin: germline. Not counted in ClinVar's aggregate classification.

Dasa
Classification: Benign for Breast-ovarian cancer, familial, susceptibility to, 1. Last evaluated: 2025-12-29. Review status: criteria provided, single submitter. Criteria: DASA Assertion Criteria. Collection method: clinical testing. Allele origin: germline. Not counted in ClinVar's aggregate classification.
Comment: NM_007294.4(BRCA1):c.2167A>G (p.Asn723Asp) is a missense variant that results in the substitution of asparagine with aspartic acid. Population frequency is inconsistent with a disease-causing role for this variant, and observations in unaffected individuals support a benign interpretation. Therefore, based on the currently available evidence, this variant is classified as benign.

Center for Genomic Medicine, Rigshospitalet, Copenhagen University Hospital
Classification: Benign. Last evaluated: 2025-03-04. Review status: criteria provided, single submitter. Criteria: ACMG Guidelines, 2015. Collection method: clinical testing. Allele origin: germline. Not counted in ClinVar's aggregate classification.

ARUP Laboratories, Molecular Genetics and Genomics, ARUP Laboratories
Classification: Benign. Last evaluated: 2025-01-13. Review status: criteria provided, single submitter. Criteria: ARUP Molecular Germline Variant Investigation Process 2024. Collection method: clinical testing. Allele origin: germline. Not counted in ClinVar's aggregate classification.

Blueprint Genetics
Classification: Likely benign. Last evaluated: 2024-11-01. Review status: criteria provided, single submitter. Criteria: ACMG Guidelines, 2015. Collection method: clinical testing. Allele origin: germline. Not counted in ClinVar's aggregate classification.

All of Us Research Program, National Institutes of Health
Classification: Likely benign for BRCA1-related cancer predisposition. Last evaluated: 2024-09-23. Review status: criteria provided, single submitter. Criteria: ACMG Guidelines, 2015. Collection method: clinical testing. Allele origin: germline. Inheritance: Autosomal dominant inheritance. Observed: 179 variant alleles, 178 heterozygotes, 1 homozygote. Not counted in ClinVar's aggregate classification.
Comment: This study involves interpretation of variants in research participants for the purpose of population health screening. Participant phenotype was not available at the time of variant classification. Additional details can be found in publication PMID: 35346344, PMCID: PMC8962531

KCCC/NGS Laboratory, Kuwait Cancer Control Center
Classification: Benign for Breast-ovarian cancer, familial, susceptibility to, 1. Last evaluated: 2023-07-07. Review status: criteria provided, single submitter. Criteria: ACMG Guidelines, 2015. Collection method: clinical testing. Allele origin: germline. Affected: yes. Not counted in ClinVar's aggregate classification.

National Health Laboratory Service, Universitas Academic Hospital and University of the Free State
Classification: Likely benign for Hereditary breast ovarian cancer syndrome. Last evaluated: 2022-04-19. Review status: criteria provided, single submitter. Criteria: ACMG Guidelines, 2015. Collection method: clinical testing. Allele origin: germline. Affected: yes. Observed: 15 variant alleles. Not counted in ClinVar's aggregate classification.

Genetics Program, Instituto Nacional de Cancer
Classification: Likely benign for Hereditary breast ovarian cancer syndrome. Last evaluated: 2021-11-01. Review status: criteria provided, single submitter. Criteria: ACMG Guidelines, 2015. Collection method: research. Allele origin: germline. Affected: yes. Not counted in ClinVar's aggregate classification.

Genetic Services Laboratory, University of Chicago
Classification: Likely benign. Last evaluated: 2021-10-01. Review status: criteria provided, single submitter. Criteria: ACMG Guidelines, 2015. Collection method: clinical testing. Allele origin: germline. Affected: no. Not counted in ClinVar's aggregate classification.

Genetics and Molecular Pathology, SA Pathology
Classification: Benign for Breast-ovarian cancer, familial, susceptibility to, 1. Last evaluated: 2021-08-24. Review status: criteria provided, single submitter. Criteria: ACMG Guidelines, 2015. Collection method: clinical testing. Allele origin: germline. Affected: yes. Not counted in ClinVar's aggregate classification.
Comment: The BRCA1 c.2167A>G variant is classified as Benign (BS1, BS4, BP4, BP6)

Sema4
Classification: Benign for Hereditary cancer-predisposing syndrome. Last evaluated: 2020-12-02. Review status: criteria provided, single submitter. Criteria: Sema4 Curation Guidelines. Collection method: curation. Allele origin: germline. Not counted in ClinVar's aggregate classification.

Mendelics
Classification: Benign for Breast-ovarian cancer, familial, susceptibility to, 1. Last evaluated: 2019-05-28. Review status: criteria provided, single submitter. Criteria: Mendelics Assertion Criteria 2017. Collection method: clinical testing. Allele origin: unknown. Not counted in ClinVar's aggregate classification.

Illumina Laboratory Services, Illumina
Classification: Uncertain significance for Breast-ovarian cancer, familial, susceptibility to, 1. Last evaluated: 2019-01-09. Review status: criteria provided, single submitter. Criteria: ICSL Variant Classification Criteria 13 December 2019. Collection method: clinical testing. Allele origin: germline. Not counted in ClinVar's aggregate classification.
Comment: This variant was observed as part of a predisposition screen in an ostensibly healthy population. A literature search was performed for the gene, cDNA change, and amino acid change (where applicable). Publications were found based on this search. However, the evidence from the literature, in combination with allele frequency data from public databases where available, was not sufficient to rule this variant in or out of causing disease. Therefore, this variant is classified as a variant of unknown significance.

GeneDx
Classification: Benign. Last evaluated: 2018-11-13. Review status: criteria provided, single submitter. Criteria: GeneDx Variant Classification Process June 2021. Collection method: clinical testing. Allele origin: germline. Affected: yes. Not counted in ClinVar's aggregate classification.
Comment: This variant is associated with the following publications: (PMID: 24055113, 24729269, 25637381, 21990134, 15235020, 15447980, 27153395, 26332594, 16267036, 17924331, 22811390, 25948282, 22753008, 12491487, 33087888)